The following is an entry in ClinVar:

ClinVar aggregate classification (germline): Uncertain significance (1 of 4 stars; one submission).

gnomAD v4.1: 2 of 1,609,756 alleles (0.00012%); highest among the groups gnomAD compares: East Asian, 0.0022%; no homozygotes.

Submission:

Labcorp Genetics (formerly Invitae), Labcorp
Classification: Uncertain significance. Last evaluated: 2024-06-21. Review status: criteria provided, single submitter. Criteria: Invitae Variant Classification Sherloc (09022015). Collection method: clinical testing. Allele origin: germline.
Comment: This sequence change falls in intron 16 of the KDM1A gene. It does not directly change the encoded amino acid sequence of the KDM1A protein. This variant is not present in population databases (gnomAD no frequency). This variant has not been reported in the literature in individuals affected with KDM1A-related conditions. Algorithms developed to predict the effect of sequence changes on RNA splicing suggest that this variant may disrupt the consensus splice site. In summary, the available evidence is currently insufficient to determine the role of this variant in disease. Therefore, it has been classified as a Variant of Uncertain Significance.

NM_001009999.3(KDM1A):c.1868-10A>G

Gene: KDM1A (lysine demethylase 1A; plus strand). Cytogenetic location: 1p36.12.
Variant type: single nucleotide variant.
Coding change: c.1868-10A>G on transcript NM_001009999.3 (MANE Select); 10 bases into the intron before coding-DNA position 1868, A replaced by G.
Molecular consequence: intron variant.
Genome position (GRCh38, 1-based): chr1:23,078,980, A>G. VCF-style: chr1-23078980-A-G. GRCh37 (hg19) VCF-style: chr1-23405473-A-G.
Other names: c.1874-10A>G (NM_001410762.1); c.1814-10A>G (NM_001363654.2); c.1796-10A>G (NM_001410763.1, NM_015013.4).
Identifiers: ClinVar variation 3614079 (VCV003614079.2).